The following is an entry in ClinVar:

NM_022725.4(FANCF):c.322C>T (p.Arg108Cys)

Gene: FANCF (FA complementation group F; minus strand). Cytogenetic location: 11p14.3.
Variant type: single nucleotide variant.
Coding change: c.322C>T on transcript NM_022725.4 (MANE Select); coding-DNA position 322, C replaced by T.
Protein change: p.Arg108Cys; replaces arginine 108 with cysteine.
Molecular consequence: missense variant.
Genome position (GRCh38, 1-based): chr11:22,625,489, G>A on the plus strand (C>T on the coding strand, the complement: FANCF is on the minus strand). VCF-style: chr11-22625489-G-A. GRCh37 (hg19) VCF-style: chr11-22647035-G-A.
Other names: short protein forms R108C.
Identifiers: ClinVar variation 943823 (VCV000943823.9), dbSNP rs200995539, ClinGen allele CA5924373.

ClinVar aggregate classification (germline): Uncertain significance (1 of 4 stars; one submission).

Conditions:
Fanconi anemia (FA). Also called: Fanconi's anemia. Identifiers: Orphanet 84, MedGen C0015625, MeSH D005199, MONDO:0019391.

Allele frequency attached by ClinVar (database versions not stated): gnomAD exomes 0.00001; TOPMed 0.00001.

Submission:

Labcorp Genetics (formerly Invitae), Labcorp
Classification: Uncertain significance for Fanconi anemia. Last evaluated: 2019-07-11. Review status: criteria provided, single submitter. Criteria: Invitae Variant Classification Sherloc (09022015). Collection method: clinical testing. Allele origin: germline.
Comment: This sequence change replaces arginine with cysteine at codon 108 of the FANCF protein (p.Arg108Cys). The arginine residue is weakly conserved and there is a large physicochemical difference between arginine and cysteine. This variant is present in population databases (rs200995539, ExAC 0.006%). This variant has not been reported in the literature in individuals with FANCF-related conditions. Algorithms developed to predict the effect of missense changes on protein structure and function output the following: SIFT: "Tolerated"; PolyPhen-2: "Benign"; Align-GVGD: "Class C0". The cysteine amino acid residue is found in multiple mammalian species, suggesting that this missense change does not adversely affect protein function. These predictions have not been confirmed by published functional studies and their clinical significance is uncertain. In summary, the available evidence is currently insufficient to determine the role of this variant in disease. Therefore, it has been classified as a Variant of Uncertain Significance.